The following is an entry in ClinVar:

NM_176824.3(BBS7):c.*250T>G

Gene: BBS7 (Bardet-Biedl syndrome 7; minus strand). Cytogenetic location: 4q27.
Variant type: single nucleotide variant.
Coding change: c.*250T>G on transcript NM_176824.3 (MANE Select); 250 bases downstream of the stop codon, T replaced by G.
Molecular consequence: 3 prime UTR variant.
Genome position (GRCh38, 1-based): chr4:121,825,610, A>C on the plus strand (T>G on the coding strand, the complement: BBS7 is on the minus strand). VCF-style: chr4-121825610-A-C. GRCh37 (hg19) VCF-style: chr4-122746765-A-C.
Identifiers: ClinVar variation 347479 (VCV000347479.6), dbSNP rs80171619, ClinGen allele CA10620041.

ClinVar aggregate classification (germline): Benign. Review status: criteria provided, multiple submitters, no conflicts (2 of 4 stars). 2 submissions from 2 submitters: Benign (2). Last evaluated 2018-01-13.

Conditions:
Bardet-Biedl syndrome 7 (BBS7). Identifiers: Orphanet 110, MedGen C1859565, MONDO:0014435, OMIM 615984.

Allele frequency attached by ClinVar (database versions not stated): gnomAD 0.00193 and 0.00230; gnomAD exomes 0.00353; TOPMed 0.00405; 1000 Genomes Project 30x 0.00656; 1000 Genomes Project 0.00679.
gnomAD v4.1: 1,091 of 365,640 alleles (0.3%); highest among the groups gnomAD compares: East Asian, 3%; 17 homozygotes.

Submissions (2):

Illumina Laboratory Services, Illumina
Classification: Benign for Bardet-Biedl syndrome 7. Last evaluated: 2018-01-13. Review status: criteria provided, single submitter. Criteria: ICSL Variant Classification Criteria 13 December 2019. Collection method: clinical testing. Allele origin: germline.
Comment: This variant was observed in the ICSL laboratory as part of a predisposition screen in an ostensibly healthy population. It had not been previously curated by ICSL or reported in the Human Gene Mutation Database (HGMD: prior to June 1st, 2018), and was therefore a candidate for classification through an automated scoring system. Utilizing variant allele frequency, disease prevalence and penetrance estimates, and inheritance mode, an automated score was calculated to assess if this variant is too frequent to cause the disease. Based on the score and internal cut-off values, a variant classified as benign is not then subjected to further curation. The score for this variant resulted in a classification of benign for this disease.

Breakthrough Genomics
Classification: Benign. Review status: criteria provided, single submitter. Criteria: ACMG Guidelines, 2015. Collection method: not provided. Allele origin: germline. Inheritance: Autosomal recessive inheritance. Affected: yes.